The following is an entry in ClinVar:

NM_000234.3(LIG1):c.507G>A (p.Val169=)

Gene: LIG1 (DNA ligase 1; minus strand). Cytogenetic location: 19q13.33.
Variant type: single nucleotide variant.
Coding change: c.507G>A on transcript NM_000234.3 (MANE Select); coding-DNA position 507, G replaced by A.
Protein change: p.Val169=; no amino-acid change (valine 169 retained).
Molecular consequence: synonymous variant. On other transcripts: non-coding transcript variant (6), intron variant (1).
Genome position (GRCh38, 1-based): chr19:48,151,299, C>T on the plus strand (G>A on the coding strand, the complement: LIG1 is on the minus strand). VCF-style: chr19-48151299-C-T. GRCh37 (hg19) VCF-style: chr19-48654556-C-T.
Other names: c.414G>A, p.Val138= (NM_001289063.2); c.504G>A, p.Val168= (NM_001320970.2); c.417G>A, p.Val139= (NM_001320971.2); c.371-1089G>A (NM_001289064.2).
Identifiers: ClinVar variation 781512 (VCV000781512.12), dbSNP rs77648519, ClinGen allele CA9547260.
Genomic context (GRCh38, chr19:48,151,299, plus strand): 5'-CTTTAGGGGCTTGGGAGGCGTGGTGGGCTGGTCCCCGTCTTCTCCTTCCTTCTCTGTGGC[C>T]ACTTCAGCCTCTGTGAGGCTTTCTTTCGGGGTCTCCTCTTCTGACGATAGACAGAACGGT-3'
Protein context (NP_000225.1, residues 159-179): TPKESLTEAE[Val169=]ATEKEGEDGD

ClinVar aggregate classification (germline): Benign. Review status: criteria provided, multiple submitters, no conflicts (2 of 4 stars). 3 submissions from 3 submitters: Benign (2). 1 of the submissions does not count toward it. Last evaluated 2026-02-02.

Conditions:
LIG1-related disorder. Also called: LIG1-related condition.

Allele frequency attached by ClinVar (database versions not stated): gnomAD 0.00719 and 0.00687; TOPMed 0.00765; ESP Exome Variant Server 0.00823; 1000 Genomes Project 30x 0.01265; 1000 Genomes Project 0.01278; gnomAD exomes 0.00062 and 0.00185; ExAC 0.00255.

Submissions (3):

Labcorp Genetics (formerly Invitae), Labcorp
Classification: Benign. Last evaluated: 2026-02-02. Review status: criteria provided, single submitter. Criteria: Invitae Variant Classification Sherloc (09022015). Collection method: clinical testing. Allele origin: germline.

Breakthrough Genomics
Classification: Benign. Review status: criteria provided, single submitter. Criteria: ACMG Guidelines, 2015. Collection method: not provided. Allele origin: germline. Inheritance: Autosomal recessive inheritance. Affected: yes.

PreventionGenetics, part of Exact Sciences
Classification: Benign for LIG1-related condition. Last evaluated: 2023-12-04. Review status: no assertion criteria provided. Collection method: clinical testing. Allele origin: germline. Not counted in ClinVar's aggregate classification.
Comment: This variant is classified as benign based on ACMG/AMP sequence variant interpretation guidelines (Richards et al. 2015 PMID: 25741868, with internal and published modifications).